The following is an entry in ClinVar:

ClinVar aggregate classification (germline): Benign/Likely benign. Review status: criteria provided, multiple submitters, no conflicts (2 of 4 stars). 2 submissions from 2 submitters: Benign (1); Likely benign (1). Last evaluated 2024-07-23.

Conditions:
Familial cancer of breast. Also called: BREAST CANCER, FAMILIAL; hereditary breast carcinoma; Hereditary breast cancer. Identifiers: Orphanet 227535, MedGen C0346153, MONDO:0016419, OMIM 114480. Disease mechanism: loss of function.

Submissions (2):

Myriad Genetics, Inc.
Classification: Benign for Familial cancer of breast. Last evaluated: 2024-07-23. Review status: criteria provided, single submitter. Criteria: Myriad Autosomal Dominant, Autosomal Recessive and X-Linked Classification Criteria (2023). Collection method: clinical testing. Allele origin: unknown.
Comment: This variant is considered benign. This variant is a silent/synonymous amino acid change and it is not expected to impact splicing.

Labcorp Genetics (formerly Invitae), Labcorp
Classification: Likely benign for Familial cancer of breast. Last evaluated: 2023-04-04. Review status: criteria provided, single submitter. Criteria: Invitae Variant Classification Sherloc (09022015). Collection method: clinical testing. Allele origin: germline.

NM_000465.4(BARD1):c.972T>C (p.His324=)

Gene: BARD1 (BRCA1 associated RING domain 1; minus strand). Cytogenetic location: 2q35.
Variant type: single nucleotide variant.
Coding change: c.972T>C on transcript NM_000465.4 (MANE Select); coding-DNA position 972, T replaced by C.
Protein change: p.His324=; no amino-acid change (histidine 324 retained).
Molecular consequence: synonymous variant. On other transcripts: non-coding transcript variant (2), intron variant (3).
Genome position (GRCh38, 1-based): chr2:214,780,902, A>G on the plus strand (T>C on the coding strand, the complement: BARD1 is on the minus strand). VCF-style: chr2-214780902-A-G. GRCh37 (hg19) VCF-style: chr2-215645626-A-G.
Other names: c.915T>C, p.His305= (NM_001282543.2); c.159-28347T>C (NM_001282548.2); c.215+16159T>C (NM_001282545.2); c.364+11395T>C (NM_001282549.2).
Identifiers: ClinVar variation 2851938 (VCV002851938.4), dbSNP rs2469505934, ClinGen allele CA431390980.